The following is an entry in ClinVar:

ClinVar aggregate classification (germline): Uncertain significance (1 of 4 stars; one submission).

Submission:

Ambry Genetics
Classification: Uncertain significance. Last evaluated: 2022-07-27. Review status: criteria provided, single submitter. Criteria: Ambry Variant Classification Scheme 2023. Collection method: clinical testing. Allele origin: germline.
Comment: The p.L573W variant (also known as c.1718T>G), located in coding exon 16 of the PRKDC gene, results from a T to G substitution at nucleotide position 1718. The leucine at codon 573 is replaced by tryptophan, an amino acid with similar properties. This amino acid position is conserved. In addition, this alteration is predicted to be deleterious by in silico analysis. Since supporting evidence is limited at this time, the clinical significance of this alteration remains unclear.

NM_006904.7(PRKDC):c.1718T>G (p.Leu573Trp)

Gene: PRKDC (protein kinase, DNA-activated, catalytic subunit; minus strand). Cytogenetic location: 8q11.21.
Variant type: single nucleotide variant.
Coding change: c.1718T>G on transcript NM_006904.7 (MANE Select); coding-DNA position 1718, T replaced by G.
Protein change: p.Leu573Trp; replaces leucine 573 with tryptophan.
Molecular consequence: missense variant.
Genome position (GRCh38, 1-based): chr8:47,933,078, A>C on the plus strand (T>G on the coding strand, the complement: PRKDC is on the minus strand). VCF-style: chr8-47933078-A-C. GRCh37 (hg19) VCF-style: chr8-48845638-A-C.
Other names: c.1718T>G, p.Leu573Trp (NM_001081640.2); short protein forms L573W.
Identifiers: ClinVar variation 1778675 (VCV001778675.2), dbSNP rs2551879025, ClinGen allele CA371165014.